The following is an entry in ClinVar:

NM_014675.5(CROCC):c.1910G>A (p.Arg637Gln)

Gene: CROCC (ciliary rootlet coiled-coil, rootletin; plus strand). Cytogenetic location: 1p36.13.
Variant type: single nucleotide variant.
Coding change: c.1910G>A on transcript NM_014675.5 (MANE Select); coding-DNA position 1910, G replaced by A.
Protein change: p.Arg637Gln; replaces arginine 637 with glutamine.
Molecular consequence: missense variant.
Genome position (GRCh38, 1-based): chr1:16,944,201, G>A. VCF-style: chr1-16944201-G-A. GRCh37 (hg19) VCF-style: chr1-17270696-G-A.
Other names: short protein forms R637Q.
Identifiers: ClinVar variation 2348783 (VCV002348783.26), dbSNP rs201410489, ClinGen allele CA634828.

ClinVar aggregate classification (germline): Conflicting classifications of pathogenicity. Review status: criteria provided, conflicting classifications (1 of 4 stars). 2 submissions from 2 submitters: Uncertain significance (1); Likely benign (1). Last evaluated 2023-04-01.

Allele frequency attached by ClinVar (database versions not stated): 1000 Genomes Project 30x 0.00078; ExAC 0.00100; gnomAD 0.00103.
gnomAD v4.1: 1,267 of 1,554,922 alleles (0.081%); highest among the groups gnomAD compares: East Asian, 0.3%; 9 homozygotes.

Submissions (2):

CeGaT Center for Human Genetics Tuebingen
Classification: Likely benign. Last evaluated: 2023-04-01. Review status: criteria provided, single submitter. Criteria: CeGaT Center For Human Genetics Tuebingen Variant Classification Criteria Version 2. Collection method: clinical testing. Allele origin: germline. Affected: yes. Observed: 1 variant allele.
Comment: CROCC: BP4

Ambry Genetics
Classification: Uncertain significance. Last evaluated: 2022-05-05. Review status: criteria provided, single submitter. Criteria: Ambry Variant Classification Scheme 2023. Collection method: clinical testing. Allele origin: germline.